The following is an entry in ClinVar:

NM_032444.4(SLX4):c.3001A>G (p.Thr1001Ala)

Gene: SLX4 (SLX4 structure-specific endonuclease subunit; minus strand). Cytogenetic location: 16p13.3.
Variant type: single nucleotide variant.
Coding change: c.3001A>G on transcript NM_032444.4 (MANE Select); coding-DNA position 3001, A replaced by G.
Protein change: p.Thr1001Ala; replaces threonine 1001 with alanine.
Molecular consequence: missense variant.
Genome position (GRCh38, 1-based): chr16:3,590,637, T>C on the plus strand (A>G on the coding strand, the complement: SLX4 is on the minus strand). VCF-style: chr16-3590637-T-C. GRCh37 (hg19) VCF-style: chr16-3640638-T-C.
Other names: short protein forms T1001A.
Identifiers: ClinVar variation 937987 (VCV000937987.11), dbSNP rs769494671, ClinGen allele CA394522311.

ClinVar aggregate classification (germline): Uncertain significance. Review status: criteria provided, multiple submitters, no conflicts (2 of 4 stars). 2 submissions from 2 submitters: Uncertain significance (2). Last evaluated 2024-06-13.

Conditions:
Fanconi anemia complementation group P. Also called: SLX4-Related Fanconi Anemia. Identifiers: Orphanet 84, MedGen C3469542, MONDO:0013499, OMIM 613951.
Fanconi anemia (FA). Also called: Fanconi's anemia. Identifiers: Orphanet 84, MedGen C0015625, MeSH D005199, MONDO:0019391.

gnomAD v4.1: 2 of 1,614,108 alleles (0.00012%); highest among the groups gnomAD compares: Non-Finnish European, 0.000085%; no homozygotes.

Submissions (2):

Fulgent Genetics
Classification: Uncertain significance for Fanconi anemia complementation group P. Last evaluated: 2024-06-13. Review status: criteria provided, single submitter. Criteria: ACMG Guidelines, 2015. Collection method: clinical testing. Allele origin: germline.

Labcorp Genetics (formerly Invitae), Labcorp
Classification: Uncertain significance for Fanconi anemia. Last evaluated: 2022-10-13. Review status: criteria provided, single submitter. Criteria: Invitae Variant Classification Sherloc (09022015). Collection method: clinical testing. Allele origin: germline.
Comment: In summary, the available evidence is currently insufficient to determine the role of this variant in disease. Therefore, it has been classified as a Variant of Uncertain Significance. Algorithms developed to predict the effect of missense changes on protein structure and function output the following: SIFT: "Tolerated"; PolyPhen-2: "Benign"; Align-GVGD: "Class C0". The alanine amino acid residue is found in multiple mammalian species, which suggests that this missense change does not adversely affect protein function. ClinVar contains an entry for this variant (Variation ID: 937987). This variant has not been reported in the literature in individuals affected with SLX4-related conditions. This variant is not present in population databases (gnomAD no frequency). This sequence change replaces threonine, which is neutral and polar, with alanine, which is neutral and non-polar, at codon 1001 of the SLX4 protein (p.Thr1001Ala).